The following is an entry in ClinVar:

NM_002430.3(MN1):c.500C>T (p.Pro167Leu)

Gene: MN1 (MN1 proto-oncogene, transcriptional regulator; minus strand). Cytogenetic location: 22q12.1.
Variant type: single nucleotide variant.
Coding change: c.500C>T on transcript NM_002430.3 (MANE Select); coding-DNA position 500, C replaced by T.
Protein change: p.Pro167Leu; replaces proline 167 with leucine.
Molecular consequence: missense variant.
Genome position (GRCh38, 1-based): chr22:27,800,044, G>A on the plus strand (C>T on the coding strand, the complement: MN1 is on the minus strand). VCF-style: chr22-27800044-G-A. GRCh37 (hg19) VCF-style: chr22-28196032-G-A.
Other names: short protein forms P167L.
Identifiers: ClinVar variation 4755632 (VCV004755632.2).

ClinVar aggregate classification (germline): Uncertain significance (1 of 4 stars; one submission).

gnomAD v4.1: 2 of 1,602,160 alleles (0.00012%); highest among the groups gnomAD compares: Non-Finnish European, 0.00017%; no homozygotes.

Submission:

GeneDx
Classification: Uncertain significance. Last evaluated: 2026-03-26. Review status: criteria provided, single submitter. Criteria: GeneDx Variant Classification Process June 2021. Collection method: clinical testing. Allele origin: germline.
Comment: Not observed at significant frequency in large population cohorts (gnomAD); In silico analysis supports that this missense variant has a deleterious effect on protein structure/function; Has not been previously published as pathogenic or benign to our knowledge